The following is an entry in ClinVar:

ClinVar aggregate classification (germline): Pathogenic (0 of 4 stars; one submission).

Conditions:
Achromatopsia 3 (ACHM3). Also called: PINGELAPESE BLINDNESS; TOTAL COLORBLINDNESS WITH MYOPIA; ROD MONOCHROMACY 1; ROD MONOCHROMATISM 1; ACHROMATOPSIA WITH MYOPIA. Identifiers: Orphanet 49382, MedGen C1849792, MONDO:0009875, OMIM 262300.

Submission:

Molecular Genetics Laboratory, Institute for Ophthalmic Research
Classification: Pathogenic for ACHM3. Last evaluated: 2017-03-27. Review status: no assertion criteria provided. Collection method: research. Allele origin: germline. Affected: yes.
Comment: Tandem duplication of exons 4-7

Literature cited by the submitters: PubMed 28795510.

NC_000008.11:g.86688947_86688948ins[MF045863.1:g.1_36978]

Gene: CNGB3 (cyclic nucleotide gated channel subunit beta 3; minus strand). Cytogenetic location: 8q21.3.
Variant type: Insertion.
Identifiers: ClinVar variation 430672 (VCV000430672.1).